The following is an entry in ClinVar:

NM_022552.5(DNMT3A):c.2504C>T (p.Thr835Met)

Gene: DNMT3A (DNA methyltransferase 3 alpha; minus strand). Cytogenetic location: 2p23.3.
Variant type: single nucleotide variant.
Coding change: c.2504C>T on transcript NM_022552.5 (MANE Select); coding-DNA position 2504, C replaced by T.
Protein change: p.Thr835Met; replaces threonine 835 with methionine.
Molecular consequence: missense variant. On other transcripts: non-coding transcript variant (1).
Genome position (GRCh38, 1-based): chr2:25,235,800, G>A on the plus strand (C>T on the coding strand, the complement: DNMT3A is on the minus strand). VCF-style: chr2-25235800-G-A. GRCh37 (hg19) VCF-style: chr2-25458669-G-A.
Other names: c.2048C>T, p.Thr683Met (NM_001320893.1); c.1835C>T, p.Thr612Met (NM_001375819.1); c.1937C>T, p.Thr646Met (NM_153759.3); c.2504C>T, p.Thr835Met (NM_175629.2); short protein forms T612M, T646M, T683M, T835M.
Identifiers: ClinVar variation 1676557 (VCV001676557.4), dbSNP rs1489843853, ClinGen allele CA346068811.

ClinVar aggregate classification (germline): Uncertain significance. Review status: criteria provided, multiple submitters, no conflicts (2 of 4 stars). 2 submissions from 2 submitters: Uncertain significance (2). Last evaluated 2023-03-22.

gnomAD v4.1: 4 of 1,613,848 alleles (0.00025%); highest among the groups gnomAD compares: Non-Finnish European, 0.00034%; no homozygotes.

Submissions (2):

GeneDx
Classification: Uncertain significance. Last evaluated: 2023-03-22. Review status: criteria provided, single submitter. Criteria: GeneDx Variant Classification Process June 2021. Collection method: clinical testing. Allele origin: germline. Affected: yes.
Comment: Not observed at significant frequency in large population cohorts (gnomAD); In silico analysis supports that this missense variant has a deleterious effect on protein structure/function; Has not been previously published as pathogenic or benign to our knowledge

Greenwood Genetic Center Diagnostic Laboratories, Greenwood Genetic Center
Classification: Uncertain significance. Last evaluated: 2022-01-25. Review status: criteria provided, single submitter. Criteria: ACMG Guidelines, 2015. Collection method: clinical testing. Allele origin: germline. Affected: yes.
Comment: PM2, PP3, PP2